The following is an entry in ClinVar:

NM_003743.5(NCOA1):c.2092A>G (p.Ser698Gly)

Gene: NCOA1 (nuclear receptor coactivator 1; plus strand). Cytogenetic location: 2p23.3.
Variant type: single nucleotide variant.
Coding change: c.2092A>G on transcript NM_003743.5 (MANE Select); coding-DNA position 2092, A replaced by G.
Protein change: p.Ser698Gly; replaces serine 698 with glycine.
Molecular consequence: missense variant.
Genome position (GRCh38, 1-based): chr2:24,707,562, A>G. VCF-style: chr2-24707562-A-G. GRCh37 (hg19) VCF-style: chr2-24930431-A-G.
Other names: c.2092A>G, p.Ser698Gly (NM_001362950.1, NM_001362952.1, NM_001362954.1 and 3 more transcripts); short protein forms S698G.
Identifiers: ClinVar variation 3348402 (VCV003348402.1).
Genomic context (GRCh38, chr2:24,707,562, plus strand): 5'-TCTTCTCATAGCTCATTGACAGAACGGCATAAAATTCTACACCGGCTCTTACAGGAGGGT[A>G]GCCCCTCAGATATCACCACTTTGTCTGTCGAGCCTGATAAAAAGGACAGTGCATCTACTT-3'
Protein context (NP_003734.3, residues 688-708): KILHRLLQEG[Ser698Gly]PSDITTLSVE

ClinVar aggregate classification (germline): Uncertain significance (0 of 4 stars; one submission).

Conditions:
NCOA1-related disorder. Also called: NCOA1-related condition.

gnomAD v4.1: 3 of 1,614,112 alleles (0.00019%); highest among the groups gnomAD compares: Non-Finnish European, 0.00017%; no homozygotes.

Submission:

PreventionGenetics, part of Exact Sciences
Classification: Uncertain significance for NCOA1-related condition. Last evaluated: 2024-08-07. Review status: no assertion criteria provided. Collection method: clinical testing. Allele origin: germline.
Comment: The NCOA1 c.2092A>G variant is predicted to result in the amino acid substitution p.Ser698Gly. To our knowledge, this variant has not been reported in the literature or in a large population database, indicating this variant is rare. At this time, the clinical significance of this variant is uncertain due to the absence of conclusive functional and genetic evidence.